The following is an entry in ClinVar:

ClinVar aggregate classification (germline): Uncertain significance (1 of 4 stars; one submission).

Conditions:
Propionic acidemia (PROP). Also called: GLYCINEMIA, KETOTIC; HYPERGLYCINEMIA WITH KETOACIDOSIS AND LEUKOPENIA; KETOTIC HYPERGLYCINEMIA. Identifiers: Orphanet 35, MedGen C0268579, MONDO:0011628, OMIM 606054, HP:0003571.

Allele frequency attached by ClinVar (database versions not stated): TOPMed below 0.00001; gnomAD 0.00001; gnomAD exomes 0.00001.
gnomAD v4.1: 9 of 1,582,136 alleles (0.00057%); highest among the groups gnomAD compares: Non-Finnish European, 0.00078%; no homozygotes.

Submission:

Labcorp Genetics (formerly Invitae), Labcorp
Classification: Uncertain significance for Propionic acidemia. Last evaluated: 2022-08-20. Review status: criteria provided, single submitter. Criteria: Invitae Variant Classification Sherloc (09022015). Collection method: clinical testing. Allele origin: germline.
Comment: This sequence change replaces glutamine, which is neutral and polar, with proline, which is neutral and non-polar, at codon 247 of the PCCA protein (p.Gln247Pro). This variant is present in population databases (no rsID available, gnomAD 0.0009%). This variant has not been reported in the literature in individuals affected with PCCA-related conditions. Advanced modeling of protein sequence and biophysical properties (such as structural, functional, and spatial information, amino acid conservation, physicochemical variation, residue mobility, and thermodynamic stability) performed at Invitae indicates that this missense variant is expected to disrupt PCCA protein function. Algorithms developed to predict the effect of sequence changes on RNA splicing suggest that this variant may create or strengthen a splice site. In summary, the available evidence is currently insufficient to determine the role of this variant in disease. Therefore, it has been classified as a Variant of Uncertain Significance.

NM_000282.4(PCCA):c.740A>C (p.Gln247Pro)

Gene: PCCA (propionyl-CoA carboxylase subunit alpha; plus strand). Cytogenetic location: 13q32.3.
Variant type: single nucleotide variant.
Coding change: c.740A>C on transcript NM_000282.4 (MANE Select); coding-DNA position 740, A replaced by C.
Protein change: p.Gln247Pro; replaces glutamine 247 with proline.
Molecular consequence: missense variant. On other transcripts: non-coding transcript variant (5), 5 prime UTR variant (3).
Genome position (GRCh38, 1-based): chr13:100,262,752, A>C. VCF-style: chr13-100262752-A-C. GRCh37 (hg19) VCF-style: chr13-100915006-A-C.
Other names: c.662A>C, p.Gln221Pro (NM_001127692.3, NM_001352607.2, NM_001352608.2); c.740A>C, p.Gln247Pro (NM_001178004.2, NM_001352605.2, NM_001352606.2 and 1 more transcripts); c.-206A>C (NM_001352610.2, NM_001352611.2, NM_001352612.2); short protein forms Q221P, Q247P.
Identifiers: ClinVar variation 2197609 (VCV002197609.1), dbSNP rs1379817242, ClinGen allele CA388694258.
Genomic context (GRCh38, chr13:100,262,752, plus strand): 5'-CTCCCCCCCTCCTCCTTCTTCCTTCTTTTTTTCACAGGGATGGTTTTAGATTGTCATCTC[A>C]AGAAGCTGCTTCTAGTTTTGGCGATGATAGACTACTAATAGAAAAATTTATTGATAATCC-3'
Protein context (NP_000273.2, residues 237-257): ETRDGFRLSS[Gln247Pro]EAASSFGDDR